The following is an entry in ClinVar:

ClinVar aggregate classification (germline): Uncertain significance (1 of 4 stars; one submission).

Conditions:
TNF receptor-associated periodic fever syndrome (TRAPS) (FPF). Also called: FAMILIAL HIBERNIAN FEVER; TNF RECEPTOR-ASSOCIATED PERIODIC SYNDROME; TUMOR NECROSIS FACTOR RECEPTOR-ASSOCIATED PERIODIC SYNDROME; Autosomal Dominant Familial Periodic Fever; TNF Receptor-Associated Periodic Fever Syndrome; TNF receptor 1-associated periodic fever syndrome. Identifiers: Orphanet 32960, MedGen C1275126, MONDO:0007727, OMIM 142680.

Submission:

Labcorp Genetics (formerly Invitae), Labcorp
Classification: Uncertain significance for TNF receptor-associated periodic fever syndrome (TRAPS). Last evaluated: 2026-01-19. Review status: criteria provided, single submitter. Criteria: Invitae Variant Classification Sherloc (09022015). Collection method: clinical testing. Allele origin: germline.
Comment: This sequence change falls in intron 3 of the TNFRSF1A gene. It does not directly change the encoded amino acid sequence of the TNFRSF1A protein. This variant is not present in population databases (gnomAD no frequency). This variant has not been reported in the literature in individuals affected with TNFRSF1A-related conditions. Algorithms developed to predict the effect of sequence changes on RNA splicing suggest that this variant may create or strengthen a splice site. In summary, the available evidence is currently insufficient to determine the role of this variant in disease. Therefore, it has been classified as a Variant of Uncertain Significance.

NM_001065.4(TNFRSF1A):c.323-4C>G

Gene: TNFRSF1A (TNF receptor superfamily member 1A; minus strand). Cytogenetic location: 12p13.31.
Variant type: single nucleotide variant.
Coding change: c.323-4C>G on transcript NM_001065.4 (MANE Select); 4 bases into the intron before coding-DNA position 323, C replaced by G.
Molecular consequence: intron variant.
Genome position (GRCh38, 1-based): chr12:6,333,520, G>C on the plus strand (C>G on the coding strand, the complement: TNFRSF1A is on the minus strand). VCF-style: chr12-6333520-G-C. GRCh37 (hg19) VCF-style: chr12-6442686-G-C.
Other names: c.-2-4C>G (NM_001346091.2); c.-255-4C>G (NM_001346092.2).
Identifiers: ClinVar variation 4704079 (VCV004704079.1).